The following is an entry in ClinVar:

ClinVar aggregate classification (germline): Conflicting classifications of pathogenicity. Review status: criteria provided, conflicting classifications (1 of 4 stars). 2 submissions from 2 submitters: Uncertain significance (1); Likely benign (1). Last evaluated 2025-04-24.

Allele frequency attached by ClinVar (database versions not stated): gnomAD exomes 0.00003; gnomAD 0.00022; TOPMed 0.00025; 1000 Genomes Project 30x 0.00047; 1000 Genomes Project 0.00060.
gnomAD v4.1: 80 of 1,537,668 alleles (0.0052%); highest among the groups gnomAD compares: African/African-American, 0.07%; no homozygotes.

Submissions (2):

Ambry Genetics
Classification: Uncertain significance. Last evaluated: 2025-04-24. Review status: criteria provided, single submitter. Criteria: Ambry Variant Classification Scheme 2023. Collection method: clinical testing. Allele origin: germline.

CeGaT Center for Human Genetics Tuebingen
Classification: Likely benign. Last evaluated: 2022-04-01. Review status: criteria provided, single submitter. Criteria: CeGaT Center For Human Genetics Tuebingen Variant Classification Criteria Version 2. Collection method: clinical testing. Allele origin: germline. Affected: yes. Observed: 1 variant allele.
Comment: STARD9: BP4

NM_020759.3(STARD9):c.7154C>T (p.Thr2385Met)

Gene: STARD9 (StAR related lipid transfer domain containing 9; plus strand). Cytogenetic location: 15q15.2.
Variant type: single nucleotide variant.
Coding change: c.7154C>T on transcript NM_020759.3 (MANE Select); coding-DNA position 7154, C replaced by T.
Protein change: p.Thr2385Met; replaces threonine 2385 with methionine.
Molecular consequence: missense variant.
Genome position (GRCh38, 1-based): chr15:42,688,732, C>T. VCF-style: chr15-42688732-C-T. GRCh37 (hg19) VCF-style: chr15-42980930-C-T.
Other names: short protein forms T2385M.
Identifiers: ClinVar variation 2356305 (VCV002356305.26), dbSNP rs185468213, ClinGen allele CA269900680.